The following is an entry in ClinVar:

ClinVar aggregate classification (germline): Uncertain significance (1 of 4 stars; one submission).

Submission:

Labcorp Genetics (formerly Invitae), Labcorp
Classification: Uncertain significance. Last evaluated: 2021-11-22. Review status: criteria provided, single submitter. Criteria: Invitae Variant Classification Sherloc (09022015). Collection method: clinical testing. Allele origin: germline.
Comment: In summary, the available evidence is currently insufficient to determine the role of this variant in disease. Therefore, it has been classified as a Variant of Uncertain Significance. Algorithms developed to predict the effect of missense changes on protein structure and function output the following: SIFT: "Tolerated"; PolyPhen-2: "Benign"; Align-GVGD: "Class C0". The histidine amino acid residue is found in multiple mammalian species, which suggests that this missense change does not adversely affect protein function. This sequence change replaces glutamine, which is neutral and polar, with histidine, which is basic and polar, at codon 388 of the ZNF469 protein (p.Gln388His). This variant is not present in population databases (gnomAD no frequency). This variant has not been reported in the literature in individuals affected with ZNF469-related conditions.

NM_001367624.2(ZNF469):c.1164G>C (p.Gln388His)

Gene: ZNF469 (zinc finger protein 469; plus strand). Cytogenetic location: 16q24.2.
Variant type: single nucleotide variant.
Coding change: c.1164G>C on transcript NM_001367624.2 (MANE Select); coding-DNA position 1164, G replaced by C.
Protein change: p.Gln388His; replaces glutamine 388 with histidine.
Molecular consequence: missense variant.
Genome position (GRCh38, 1-based): chr16:88,428,634, G>C. VCF-style: chr16-88428634-G-C. GRCh37 (hg19) VCF-style: chr16-88495042-G-C.
Other names: short protein forms Q388H.
Identifiers: ClinVar variation 1394570 (VCV001394570.6), dbSNP rs1430171586, ClinGen allele CA397063535.